The following is an entry in ClinVar:

ClinVar aggregate classification (germline): Likely benign (0 of 4 stars; one submission).

Conditions:
EP300-related disorder. Also called: EP300-related disorders; EP300-related condition.

Submission:

PreventionGenetics, part of Exact Sciences
Classification: Likely benign for EP300-related condition. Last evaluated: 2022-11-01. Review status: no assertion criteria provided. Collection method: clinical testing. Allele origin: germline.
Comment: This variant is classified as likely benign based on ACMG/AMP sequence variant interpretation guidelines (Richards et al. 2015 PMID: 25741868, with internal and published modifications).

NM_001429.4(EP300):c.2242-3C>A

Gene: EP300 (E1A binding protein p300; plus strand). Cytogenetic location: 22q13.2.
Variant type: single nucleotide variant.
Coding change: c.2242-3C>A on transcript NM_001429.4 (MANE Select); 3 bases into the intron before coding-DNA position 2242, C replaced by A.
Molecular consequence: intron variant.
Genome position (GRCh38, 1-based): chr22:41,149,035, C>A. VCF-style: chr22-41149035-C-A. GRCh37 (hg19) VCF-style: chr22-41545039-C-A.
Other names: c.2164-3C>A (NM_001362843.2).
Identifiers: ClinVar variation 3049671 (VCV003049671.2), dbSNP rs201968361, ClinGen allele CA324535635.